The following is an entry in ClinVar:

NM_015909.4(NBAS):c.4935G>A (p.Ala1645=)

Gene: NBAS (NBAS subunit of NRZ tethering complex; minus strand). Cytogenetic location: 2p24.3.
Variant type: single nucleotide variant.
Coding change: c.4935G>A on transcript NM_015909.4 (MANE Select); coding-DNA position 4935, G replaced by A.
Protein change: p.Ala1645=; no amino-acid change (alanine 1645 retained).
Molecular consequence: synonymous variant. On other transcripts: non-coding transcript variant (1).
Genome position (GRCh38, 1-based): chr2:15,292,629, C>T on the plus strand (G>A on the coding strand, the complement: NBAS is on the minus strand). VCF-style: chr2-15292629-C-T. GRCh37 (hg19) VCF-style: chr2-15432753-C-T.
Other names: c.4935G>A (NM_015909.3).
Identifiers: ClinVar variation 1626926 (VCV001626926.15), dbSNP rs77299752, ClinGen allele CA1535451.

ClinVar aggregate classification (germline): Benign/Likely benign. Review status: criteria provided, multiple submitters, no conflicts (2 of 4 stars). 4 submissions from 4 submitters: Benign (1); Likely benign (2). 1 of the submissions does not count toward it. Last evaluated 2026-02-01.

Conditions:
NBAS-related disorder. Also called: NBAS-related condition.

Allele frequency attached by ClinVar (database versions not stated): ESP Exome Variant Server 0.00031; gnomAD exomes 0.00035; TOPMed 0.00040; 1000 Genomes Project 0.00060; 1000 Genomes Project 30x 0.00062.
gnomAD v4.1: 556 of 1,614,162 alleles (0.034%); highest among the groups gnomAD compares: East Asian, 0.32%; 1 homozygote.

Submissions (4):

CeGaT Center for Human Genetics Tuebingen
Classification: Likely benign. Last evaluated: 2026-02-01. Review status: criteria provided, single submitter. Criteria: CeGaT Center For Human Genetics Tuebingen Variant Classification Criteria Version 2. Collection method: clinical testing. Allele origin: germline. Affected: yes. Observed: 2 variant alleles.
Comment: NBAS: BP4, BP7

Labcorp Genetics (formerly Invitae), Labcorp
Classification: Benign. Last evaluated: 2026-01-21. Review status: criteria provided, single submitter. Criteria: Invitae Variant Classification Sherloc (09022015). Collection method: clinical testing. Allele origin: germline.

Blueprint Genetics
Classification: Likely benign. Last evaluated: 2024-10-14. Review status: criteria provided, single submitter. Criteria: ACMG Guidelines, 2015. Collection method: clinical testing. Allele origin: germline.

PreventionGenetics, part of Exact Sciences
Classification: Likely benign for NBAS-related condition. Last evaluated: 2019-03-01. Review status: no assertion criteria provided. Collection method: clinical testing. Allele origin: germline. Not counted in ClinVar's aggregate classification.
Comment: This variant is classified as likely benign based on ACMG/AMP sequence variant interpretation guidelines (Richards et al. 2015 PMID: 25741868, with internal and published modifications).